The following is an entry in ClinVar:

ClinVar aggregate classification (germline): Uncertain significance. Review status: criteria provided, multiple submitters, no conflicts (2 of 4 stars). 2 submissions from 2 submitters: Uncertain significance (2). Last evaluated 2024-01-31.

Conditions:
Inborn genetic diseases. Identifiers: MedGen C0950123, MeSH D030342.

Allele frequency attached by ClinVar (database versions not stated): gnomAD exomes 0.00002; TOPMed 0.00002; gnomAD 0.00003; ExAC 0.00002.
gnomAD v4.1: 12 of 1,210,468 alleles (0.00099%); highest among the groups gnomAD compares: African/African-American, 0.0052%; no homozygotes.

Submissions (2):

Ambry Genetics
Classification: Uncertain significance for Inborn genetic diseases. Last evaluated: 2024-01-31. Review status: criteria provided, single submitter. Criteria: Ambry Variant Classification Scheme 2023. Collection method: clinical testing. Allele origin: germline.

GeneDx
Classification: Uncertain significance. Last evaluated: 2015-10-22. Review status: criteria provided, single submitter. Criteria: GeneDx Variant Classification (06012015). Collection method: clinical testing. Allele origin: germline. Affected: yes.
Comment: The R763W variant in the BCOR gene has not been reported previously as a pathogenic variant nor as a benign variant, to our knowledge. The R763W variant was not observed in approximately 6500 individuals of European and African American ancestry in the NHLBI Exome Sequencing Project, indicating it is not a common benign variant in these populations. The R763W variant is a non-conservative amino acid substitution, which is likely to impact secondary protein structure as these residues differ in polarity, charge, size and/or other properties. This substitution occurs at a position where amino acids with similar properties as Arginine are tolerated across species. In silico analysis is inconsistent in its predictions as to whether or not the variant is damaging to the protein structure/function. We interpret R763W as a variant of uncertain significance.

NM_001123385.2(BCOR):c.2287C>T (p.Arg763Trp)

Gene: BCOR (BCL6 corepressor; minus strand). Cytogenetic location: Xp11.4.
Variant type: single nucleotide variant.
Coding change: c.2287C>T on transcript NM_001123385.2 (MANE Select); coding-DNA position 2287, C replaced by T.
Protein change: p.Arg763Trp; replaces arginine 763 with tryptophan.
Molecular consequence: missense variant.
Genome position (GRCh38, 1-based): chrX:40,073,059, G>A on the plus strand (C>T on the coding strand, the complement: BCOR is on the minus strand). VCF-style: chrX-40073059-G-A. GRCh37 (hg19) VCF-style: chrX-39932312-G-A.
Other names: c.2287C>T, p.Arg763Trp (NM_001123383.2, NM_001123384.2, NM_017745.6); short protein forms R763W.
Identifiers: ClinVar variation 265045 (VCV000265045.3), dbSNP rs780348147, ClinGen allele CA10386811.